The following is an entry in ClinVar:

ClinVar aggregate classification (germline): Uncertain significance (1 of 4 stars; one submission).

Conditions:
Fructose-biphosphatase deficiency (FBP1D). Also called: Fructose 1,6 Bisphosphatase Deficiency; Fructose-1,6-Diphosphatase Deficiency; Fructose-1,6-Bisphosphatase 1 Deficiency. Identifiers: Orphanet 348, MedGen C0016756, MONDO:0009251, OMIM 229700.

Allele frequency attached by ClinVar (database versions not stated): gnomAD 0.00009; gnomAD exomes below 0.00001 and 0.00001; TOPMed 0.00008.
gnomAD v4.1: 16 of 1,613,850 alleles (0.00099%); highest among the groups gnomAD compares: Admixed American, 0.027%; no homozygotes.

Submission:

Labcorp Genetics (formerly Invitae), Labcorp
Classification: Uncertain significance for Fructose-biphosphatase deficiency. Last evaluated: 2021-08-27. Review status: criteria provided, single submitter. Criteria: Invitae Variant Classification Sherloc (09022015). Collection method: clinical testing. Allele origin: germline.
Comment: This sequence change replaces proline with serine at codon 222 of the FBP1 protein (p.Pro222Ser). The proline residue is moderately conserved and there is a moderate physicochemical difference between proline and serine. This variant is not present in population databases (ExAC no frequency). This variant has not been reported in the literature in individuals affected with FBP1-related conditions. Advanced modeling of protein sequence and biophysical properties (such as structural, functional, and spatial information, amino acid conservation, physicochemical variation, residue mobility, and thermodynamic stability) performed at Invitae indicates that this missense variant is not expected to disrupt FBP1 protein function. In summary, the available evidence is currently insufficient to determine the role of this variant in disease. Therefore, it has been classified as a Variant of Uncertain Significance.

NM_000507.4(FBP1):c.664C>T (p.Pro222Ser)

Gene: FBP1 (fructose-bisphosphatase 1; minus strand). Cytogenetic location: 9q22.32.
Variant type: single nucleotide variant.
Coding change: c.664C>T on transcript NM_000507.4 (MANE Select); coding-DNA position 664, C replaced by T.
Protein change: p.Pro222Ser; replaces proline 222 with serine.
Molecular consequence: missense variant.
Genome position (GRCh38, 1-based): chr9:94,606,856, G>A on the plus strand (C>T on the coding strand, the complement: FBP1 is on the minus strand). VCF-style: chr9-94606856-G-A. GRCh37 (hg19) VCF-style: chr9-97369138-G-A.
Other names: c.664C>T, p.Pro222Ser (NM_001127628.2); short protein forms P222S.
Identifiers: ClinVar variation 1509156 (VCV001509156.5), dbSNP rs1373961798, ClinGen allele CA374106724.